The following is an entry in ClinVar:

ClinVar aggregate classification (germline): Uncertain significance (1 of 4 stars; one submission).

gnomAD v4.1: 3 of 1,603,862 alleles (0.00019%); highest among the groups gnomAD compares: Non-Finnish European, 0.00025%; no homozygotes.

Submission:

Labcorp Genetics (formerly Invitae), Labcorp
Classification: Uncertain significance. Last evaluated: 2024-03-02. Review status: criteria provided, single submitter. Criteria: Invitae Variant Classification Sherloc (09022015). Collection method: clinical testing. Allele origin: germline.
Comment: This sequence change replaces glutamine, which is neutral and polar, with arginine, which is basic and polar, at codon 79 of the TRRAP protein (p.Gln79Arg). This variant is present in population databases (no rsID available, gnomAD 0.007%). This variant has not been reported in the literature in individuals affected with TRRAP-related conditions. Advanced modeling of protein sequence and biophysical properties (such as structural, functional, and spatial information, amino acid conservation, physicochemical variation, residue mobility, and thermodynamic stability) has been performed at Invitae for this missense variant, however the output from this modeling did not meet the statistical confidence thresholds required to predict the impact of this variant on TRRAP protein function. In summary, the available evidence is currently insufficient to determine the role of this variant in disease. Therefore, it has been classified as a Variant of Uncertain Significance.

NM_001375524.1(TRRAP):c.236A>G (p.Gln79Arg)

Gene: TRRAP (transformation/transcription domain associated protein; plus strand). Cytogenetic location: 7q22.1.
Variant type: single nucleotide variant.
Coding change: c.236A>G on transcript NM_001375524.1 (MANE Select); coding-DNA position 236, A replaced by G.
Protein change: p.Gln79Arg; replaces glutamine 79 with arginine.
Molecular consequence: missense variant.
Genome position (GRCh38, 1-based): chr7:98,890,420, A>G. VCF-style: chr7-98890420-A-G. GRCh37 (hg19) VCF-style: chr7-98488043-A-G.
Other names: c.236A>G, p.Gln79Arg (NM_001244580.2, NM_003496.4); short protein forms Q79R.
Identifiers: ClinVar variation 3679838 (VCV003679838.2).